The following is an entry in ClinVar:

NM_002474.3(MYH11):c.3821C>T (p.Ala1274Val)

Gene: MYH11 (myosin heavy chain 11; minus strand). Cytogenetic location: 16p13.11.
Variant type: single nucleotide variant.
Coding change: c.3821C>T on transcript NM_002474.3 (MANE Select); coding-DNA position 3821, C replaced by T.
Protein change: p.Ala1274Val; replaces alanine 1274 with valine.
Molecular consequence: missense variant.
Genome position (GRCh38, 1-based): chr16:15,726,885, G>A on the plus strand (C>T on the coding strand, the complement: MYH11 is on the minus strand). VCF-style: chr16-15726885-G-A. GRCh37 (hg19) VCF-style: chr16-15820742-G-A.
Other names: c.3842C>T, p.Ala1281Val (NM_001040113.2, NM_001040114.2); c.3821C>T, p.Ala1274Val (NM_022844.3); short protein forms A1274V, A1281V.
Identifiers: ClinVar variation 888294 (VCV000888294.13), dbSNP rs1060500723, ClinGen allele CA394859996.

ClinVar aggregate classification (germline): Uncertain significance. Review status: criteria provided, multiple submitters, no conflicts (2 of 4 stars). 3 submissions from 3 submitters: Uncertain significance (3). Last evaluated 2023-06-26.

Conditions:
Aortic aneurysm, familial thoracic 4 (AAT4). Also called: AORTIC ANEURYSM/AORTIC DISSECTION AND PATENT DUCTUS ARTERIOSUS. Identifiers: MedGen C1851504, MONDO:0007568, OMIM 132900.
Familial thoracic aortic aneurysm and aortic dissection (TAAD). Also called: Thoracic aortic aneurysms and dissections. Identifiers: Orphanet 91387, MedGen C4707243, MONDO:0019625.

Allele frequency attached by ClinVar (database versions not stated): gnomAD exomes below 0.00001.
gnomAD v4.1: 2 of 1,612,244 alleles (0.00012%); highest among the groups gnomAD compares: Non-Finnish European, 0.00017%; no homozygotes.

Submissions (3):

All of Us Research Program, National Institutes of Health
Classification: Uncertain significance for Familial thoracic aortic aneurysm and aortic dissection. Last evaluated: 2023-06-26. Review status: criteria provided, single submitter. Criteria: ACMG Guidelines, 2015. Collection method: clinical testing. Allele origin: germline. Inheritance: Autosomal dominant inheritance. Observed: 1 variant allele, 1 heterozygote.
Comment: This missense variant replaces alanine with valine at codon 1281 of the MYH11 protein. Computational prediction suggests that this variant may not impact protein structure and function (internally defined REVEL score threshold <= 0.5, PMID: 27666373). To our knowledge, functional studies have not been reported for this variant. This variant has not been reported in individuals affected with MYH11-related disorders in the literature. This variant has not been identified in the general population by the Genome Aggregation Database (gnomAD). The available evidence is insufficient to determine the role of this variant in disease conclusively. Therefore, this variant is classified as a Variant of Uncertain Significance.

This study involves interpretation of variants in research participants for the purpose of population health screening. Participant phenotype was not available at the time of variant classification. Additional details can be found in publication PMID: 35346344, PMCID: PMC8962531

Labcorp Genetics (formerly Invitae), Labcorp
Classification: Uncertain significance for Aortic aneurysm, familial thoracic 4. Last evaluated: 2020-10-08. Review status: criteria provided, single submitter. Criteria: Invitae Variant Classification Sherloc (09022015). Collection method: clinical testing. Allele origin: germline.
Comment: In summary, the available evidence is currently insufficient to determine the role of this variant in disease. Therefore, it has been classified as a Variant of Uncertain Significance. Algorithms developed to predict the effect of sequence changes on RNA splicing suggest that this variant may create or strengthen a splice site, but this prediction has not been confirmed by published transcriptional studies. Algorithms developed to predict the effect of missense changes on protein structure and function output the following: SIFT: "Tolerated"; PolyPhen-2: "Benign"; Align-GVGD: "Class C0". The valine amino acid residue is found in multiple mammalian species, suggesting that this missense change does not adversely affect protein function. These predictions have not been confirmed by published functional studies and their clinical significance is uncertain. This variant has not been reported in the literature in individuals with MYH11-related conditions. ClinVar contains an entry for this variant (Variation ID: 888294). This variant is not present in population databases (ExAC no frequency). This sequence change replaces alanine with valine at codon 1281 of the MYH11 protein (p.Ala1281Val). The alanine residue is weakly conserved and there is a small physicochemical difference between alanine and valine.

Illumina Laboratory Services, Illumina
Classification: Uncertain significance for Aortic aneurysm, familial thoracic 4. Last evaluated: 2018-01-13. Review status: criteria provided, single submitter. Criteria: ICSL Variant Classification Criteria 13 December 2019. Collection method: clinical testing. Allele origin: germline.